The following is an entry in ClinVar:

NM_003002.4(SDHD):c.132T>A (p.Cys44Ter)

Gene: SDHD (succinate dehydrogenase complex subunit D; plus strand). Cytogenetic location: 11q23.1.
Variant type: single nucleotide variant.
Coding change: c.132T>A on transcript NM_003002.4 (MANE Select); coding-DNA position 132, T replaced by A.
Protein change: p.Cys44Ter; replaces cysteine 44 with a stop codon.
Molecular consequence: nonsense. On other transcripts: non-coding transcript variant (1), intron variant (1).
Genome position (GRCh38, 1-based): chr11:112,087,936, T>A. VCF-style: chr11-112087936-T-A. GRCh37 (hg19) VCF-style: chr11-111958660-T-A.
Other names: c.132T>A, p.Cys44Ter (NM_001276503.2, NM_001276506.2); c.53-931T>A (NM_001276504.2); short protein forms C44*.
Identifiers: ClinVar variation 2947597 (VCV002947597.3), dbSNP rs2498900134, ClinGen allele CA382617054.

ClinVar aggregate classification (germline): Pathogenic (1 of 4 stars; one submission).

Conditions:
Carney-Stratakis syndrome. Also called: PARAGANGLIOMA AND GASTROINTESTINAL STROMAL TUMOR. Identifiers: Orphanet 97286, MedGen C1847319, MONDO:0011740, OMIM 606864.
Cowden syndrome 3 (CWS3). Identifiers: Orphanet 201, MedGen CN166604, MONDO:0014045.
Pheochromocytoma. Also called: MAX-Related Hereditary Paraganglioma-Pheochromocytoma Syndrome. Identifiers: Orphanet 29072, MedGen C0031511, MONDO:0008233, OMIM 171300, HP:0002666.
Paragangliomas with sensorineural hearing loss. Identifiers: MedGen C1868633.

Submission:

Labcorp Genetics (formerly Invitae), Labcorp
Classification: Pathogenic for Carney-Stratakis syndrome; Paragangliomas with sensorineural hearing loss; Pheochromocytoma; Cowden syndrome 3. Last evaluated: 2025-09-08. Review status: criteria provided, single submitter. Criteria: Invitae Variant Classification Sherloc (09022015). Collection method: clinical testing. Allele origin: germline.
Comment: This sequence change creates a premature translational stop signal (p.Cys44*) in the SDHD gene. It is expected to result in an absent or disrupted protein product. Loss-of-function variants in SDHD are known to be pathogenic (PMID: 19454582, 19802898). This variant is not present in population databases (gnomAD no frequency). This variant has not been reported in the literature in individuals affected with SDHD-related conditions. ClinVar contains an entry for this variant (Variation ID: 2947597). Algorithms developed to predict the effect of sequence changes on RNA splicing suggest that this variant may disrupt the consensus splice site. For these reasons, this variant has been classified as Pathogenic.

Literature cited by the submitters: PubMed 19454582; PubMed 19802898.